The following is an entry in ClinVar:

NM_000383.4(AIRE):c.531C>T (p.Leu177=)

Gene: AIRE (autoimmune regulator; plus strand). Cytogenetic location: 21q22.3.
Variant type: single nucleotide variant.
Coding change: c.531C>T on transcript NM_000383.4 (MANE Select); coding-DNA position 531, C replaced by T.
Protein change: p.Leu177=; no amino-acid change (leucine 177 retained).
Molecular consequence: synonymous variant.
Genome position (GRCh38, 1-based): chr21:44,287,584, C>T. VCF-style: chr21-44287584-C-T. GRCh37 (hg19) VCF-style: chr21-45707467-C-T.
Identifiers: ClinVar variation 709485 (VCV000709485.37), dbSNP rs538568691, ClinGen allele CA10051595.

ClinVar aggregate classification (germline): Likely benign. Review status: criteria provided, multiple submitters, no conflicts (2 of 4 stars). 5 submissions from 5 submitters: Likely benign (3). 2 of the submissions do not count toward it. Last evaluated 2026-01-28.

Conditions:
Polyglandular autoimmune syndrome, type 1 (APS1). Also called: Autoimmune polyendocrinopathy syndrome, type I; Whitaker syndrome; Autoimmune polyendocrinopathy syndrome , type I, with or without reversible metaphyseal dysplasia; AUTOIMMUNE POLYENDOCRINE SYNDROME, TYPE I, WITH OR WITHOUT REVERSIBLE METAPHYSEAL DYSPLASIA; APS I; PGA I. Identifiers: Orphanet 3453, MedGen C0085859, MONDO:0009411, OMIM 240300.

Allele frequency attached by ClinVar (database versions not stated): gnomAD 0.00004 and 0.00005; TOPMed 0.00009; gnomAD exomes 0.00014; 1000 Genomes Project 0.00040; ExAC 0.00046; 1000 Genomes Project 30x 0.00047.
gnomAD v4.1: 124 of 1,555,878 alleles (0.008%); highest among the groups gnomAD compares: South Asian, 0.034%; 1 homozygote.

Submissions (5):

Labcorp Genetics (formerly Invitae), Labcorp
Classification: Likely benign for Polyglandular autoimmune syndrome, type 1. Last evaluated: 2026-01-28. Review status: criteria provided, single submitter. Criteria: Invitae Variant Classification Sherloc (09022015). Collection method: clinical testing. Allele origin: germline.

Blueprint Genetics
Classification: Likely benign. Last evaluated: 2024-10-24. Review status: criteria provided, single submitter. Criteria: ACMG Guidelines, 2015. Collection method: clinical testing. Allele origin: germline.

CeGaT Center for Human Genetics Tuebingen
Classification: Likely benign. Last evaluated: 2022-05-01. Review status: criteria provided, single submitter. Criteria: CeGaT Center For Human Genetics Tuebingen Variant Classification Criteria Version 2. Collection method: clinical testing. Allele origin: germline. Affected: yes. Observed: 2 variant alleles.
Comment: AIRE: BP4, BP7

Clinical Genetics DNA and cytogenetics Diagnostics Lab, Erasmus MC, Erasmus Medical Center
Classification: Likely benign. Review status: no assertion criteria provided. Collection method: clinical testing. Allele origin: germline. Affected: yes. Study: VKGL Data-share Consensus. Not counted in ClinVar's aggregate classification.

Genome Diagnostics Laboratory, University Medical Center Utrecht
Classification: Likely benign. Review status: no assertion criteria provided. Collection method: clinical testing. Allele origin: germline. Affected: yes. Study: VKGL Data-share Consensus. Not counted in ClinVar's aggregate classification.